The following is an entry in ClinVar:

ClinVar aggregate classification (germline): Likely pathogenic (1 of 4 stars; one submission).

Conditions:
TMEM67-related disorder. Also called: TMEM67-related disorders; TMEM67-related condition. Identifiers: MedGen CN239423.

Submission:

PreventionGenetics, part of Exact Sciences
Classification: Likely pathogenic for TMEM67-related condition. Last evaluated: 2025-05-15. Review status: criteria provided, single submitter. Criteria: ACMG Guidelines, 2015. Collection method: clinical testing. Allele origin: germline.
Comment: The TMEM67 c.2439+1G>A variant is predicted to disrupt the GT donor site and interfere with normal splicing. To our knowledge, this variant has not been reported in the literature or in a large population database (gnomAD), indicating this variant is rare. Variants that disrupt the consensus splice donor site in TMEM67 are expected to be pathogenic. This variant is interpreted as likely pathogenic.

NM_153704.6(TMEM67):c.2439+1G>A

Gene: TMEM67 (transmembrane protein 67; plus strand). Cytogenetic location: 8q22.1.
Variant type: single nucleotide variant.
Coding change: c.2439+1G>A on transcript NM_153704.6 (MANE Select); the canonical splice donor site of the intron after coding-DNA position 2439, G replaced by A.
Molecular consequence: splice donor variant.
Genome position (GRCh38, 1-based): chr8:93,804,879, G>A. VCF-style: chr8-93804879-G-A. GRCh37 (hg19) VCF-style: chr8-94817107-G-A.
Other names: c.2196+1G>A (NM_001142301.1).
Identifiers: ClinVar variation 5001598 (VCV005001598.1).